The following is an entry in ClinVar:

ClinVar aggregate classification (germline): Uncertain significance. Review status: criteria provided, multiple submitters, no conflicts (2 of 4 stars). 2 submissions from 2 submitters: Uncertain significance (2). Last evaluated 2022-06-20.

Conditions:
Familial hypokalemia-hypomagnesemia (GTLMNS). Also called: HYPOMAGNESEMIA-HYPOKALEMIA, PRIMARY RENOTUBULAR, WITH HYPOCALCIURIA; POTASSIUM AND MAGNESIUM DEPLETION; gitelman syndrome. Identifiers: Orphanet 358, MedGen C0268450, MONDO:0009904, OMIM 263800.

Allele frequency attached by ClinVar (database versions not stated): TOPMed 0.00002.
gnomAD v4.1: 46 of 1,554,946 alleles (0.003%); highest among the groups gnomAD compares: Non-Finnish European, 0.0035%; no homozygotes.

Submissions (2):

Labcorp Genetics (formerly Invitae), Labcorp
Classification: Uncertain significance. Last evaluated: 2022-06-20. Review status: criteria provided, single submitter. Criteria: Invitae Variant Classification Sherloc (09022015). Collection method: clinical testing. Allele origin: germline.
Comment: This sequence change replaces glutamic acid, which is acidic and polar, with aspartic acid, which is acidic and polar, at codon 633 of the SLC12A3 protein (p.Glu633Asp). This variant is present in population databases (no rsID available, gnomAD 0.005%). This variant has not been reported in the literature in individuals affected with SLC12A3-related conditions. ClinVar contains an entry for this variant (Variation ID: 887428). Advanced modeling of protein sequence and biophysical properties (such as structural, functional, and spatial information, amino acid conservation, physicochemical variation, residue mobility, and thermodynamic stability) performed at Invitae indicates that this missense variant is not expected to disrupt SLC12A3 protein function. In summary, the available evidence is currently insufficient to determine the role of this variant in disease. Therefore, it has been classified as a Variant of Uncertain Significance.

Illumina Laboratory Services, Illumina
Classification: Uncertain significance for Familial hypokalemia-hypomagnesemia. Last evaluated: 2018-01-13. Review status: criteria provided, single submitter. Criteria: ICSL Variant Classification Criteria 13 December 2019. Collection method: clinical testing. Allele origin: germline.

NM_001126108.2(SLC12A3):c.1899G>C (p.Glu633Asp)

Gene: SLC12A3 (solute carrier family 12 member 3; plus strand). Cytogenetic location: 16q13.
Variant type: single nucleotide variant.
Coding change: c.1899G>C on transcript NM_001126108.2 (MANE Select); coding-DNA position 1899, G replaced by C.
Protein change: p.Glu633Asp; replaces glutamic acid 633 with aspartic acid.
Molecular consequence: missense variant.
Genome position (GRCh38, 1-based): chr16:56,885,338, G>C. VCF-style: chr16-56885338-G-C. GRCh37 (hg19) VCF-style: chr16-56919250-G-C.
Other names: c.1899G>C, p.Glu633Asp (NM_000339.3); c.1896G>C, p.Glu632Asp (NM_001126107.2); short protein forms E632D, E633D.
Identifiers: ClinVar variation 887428 (VCV000887428.8), dbSNP rs1489892274, ClinGen allele CA395991616.